The following is an entry in ClinVar:

NM_138713.4(NFAT5):c.2938T>C (p.Ser980Pro)

Gene: NFAT5 (nuclear factor of activated T cells 5; plus strand). Cytogenetic location: 16q22.1.
Variant type: single nucleotide variant.
Coding change: c.2938T>C on transcript NM_138713.4 (MANE Select); coding-DNA position 2938, T replaced by C.
Protein change: p.Ser980Pro; replaces serine 980 with proline.
Molecular consequence: missense variant.
Genome position (GRCh38, 1-based): chr16:69,692,763, T>C. VCF-style: chr16-69692763-T-C. GRCh37 (hg19) VCF-style: chr16-69726666-T-C.
Other names: c.2935T>C, p.Ser979Pro (NM_001113178.3); c.2263T>C, p.Ser755Pro (NM_001367709.1); c.2884T>C, p.Ser962Pro (NM_006599.4); c.2656T>C, p.Ser886Pro (NM_138714.4, NM_173214.3, NM_173215.3); short protein forms S962P, S886P, S979P, S755P, S980P.
Identifiers: ClinVar variation 2284422 (VCV002284422.6), dbSNP rs376327806, ClinGen allele CA8135824.

ClinVar aggregate classification (germline): Uncertain significance. Review status: criteria provided, multiple submitters, no conflicts (2 of 4 stars). 2 submissions from 2 submitters: Uncertain significance (2). Last evaluated 2025-12-03.

Conditions:
Immunodeficiency. Identifiers: MedGen C0021051, MONDO:0021094, HP:0002721.

Allele frequency attached by ClinVar (database versions not stated): gnomAD 0.00001; TOPMed 0.00003; ESP Exome Variant Server 0.00008; gnomAD exomes below 0.00001; ExAC 0.00001.
gnomAD v4.1: 8 of 1,614,096 alleles (0.0005%); highest among the groups gnomAD compares: Non-Finnish European, 0.00068%; no homozygotes.

Submissions (2):

Ambry Genetics
Classification: Uncertain significance. Last evaluated: 2025-12-03. Review status: criteria provided, single submitter. Criteria: Ambry Variant Classification Scheme 2023. Collection method: clinical testing. Allele origin: germline.

Labcorp Genetics (formerly Invitae), Labcorp
Classification: Uncertain significance for Immunodeficiency. Last evaluated: 2025-06-04. Review status: criteria provided, single submitter. Criteria: Invitae Variant Classification Sherloc (09022015). Collection method: clinical testing. Allele origin: germline.
Comment: This sequence change replaces serine, which is neutral and polar, with proline, which is neutral and non-polar, at codon 886 of the NFAT5 protein (p.Ser886Pro). This variant is present in population databases (rs376327806, gnomAD 0.002%). This variant has not been reported in the literature in individuals affected with NFAT5-related conditions. ClinVar contains an entry for this variant (Variation ID: 2284422). An algorithm developed to predict the effect of missense changes on protein structure and function (PolyPhen-2) suggests that this variant is likely to be disruptive. In summary, the available evidence is currently insufficient to determine the role of this variant in disease. Therefore, it has been classified as a Variant of Uncertain Significance.